The following is an entry in ClinVar:

ClinVar aggregate classification (germline): Likely pathogenic (1 of 4 stars; one submission).

Conditions:
Baller-Gerold syndrome (BGS). Also called: CRANIOSYNOSTOSIS WITH RADIAL DEFECTS. Identifiers: Orphanet 1225, MedGen C0265308, MONDO:0009039, OMIM 218600.

Submission:

Labcorp Genetics (formerly Invitae), Labcorp
Classification: Likely pathogenic for Baller-Gerold syndrome. Last evaluated: 2019-02-12. Review status: criteria provided, single submitter. Criteria: Invitae Variant Classification Sherloc (09022015). Collection method: clinical testing. Allele origin: germline.
Comment: This variant results in a copy number gain of the genomic region encompassing exons 3-14 of the RECQL4 gene. While the exact position of this variant cannot be determined from this data, sub-genic copy number gains are generally in tandem (PMID: 25640679) and may result in an absent or disrupted protein product. This variant has not been reported in the literature in individuals with RECQL4-related conditions. In summary, the currently available evidence indicates that the variant is pathogenic, but additional data are needed to prove that conclusively. Therefore, this variant has been classified as Likely Pathogenic. Loss-of-function variants in RECQL4 are known to be pathogenic (PMID: 12734318, 12952869).

Literature cited by the submitters: PubMed 25640679; PubMed 12734318; PubMed 12952869.

NC_000008.10:g.(?_145738591)_(145742902_?)dup

Gene: RECQL4 (RecQ like helicase 4; minus strand). Cytogenetic location: 8q24.3.
Variant type: Duplication.
Identifiers: ClinVar variation 833267 (VCV000833267.5).